The following is an entry in ClinVar:

NM_003126.4(SPTA1):c.3997-5C>T

Gene: SPTA1 (spectrin alpha, erythrocytic 1; minus strand). Cytogenetic location: 1q23.1.
Variant type: single nucleotide variant.
Coding change: c.3997-5C>T on transcript NM_003126.4 (MANE Select); 5 bases into the intron before coding-DNA position 3997, C replaced by T.
Molecular consequence: intron variant.
Genome position (GRCh38, 1-based): chr1:158,645,390, G>A on the plus strand (C>T on the coding strand, the complement: SPTA1 is on the minus strand). VCF-style: chr1-158645390-G-A. GRCh37 (hg19) VCF-style: chr1-158615180-G-A.
Other names: c.3997-5C>T (NM_003126.2).
Identifiers: ClinVar variation 2428573 (VCV002428573.5), dbSNP rs374510886, ClinGen allele CA1182847.

ClinVar aggregate classification (germline): Conflicting classifications of pathogenicity. Review status: criteria provided, conflicting classifications (1 of 4 stars). 3 submissions from 3 submitters: Uncertain significance (1); Likely benign (2). Last evaluated 2025-11-24.

Conditions:
SPTA1-related disorder. Also called: SPTA1-related condition; SPTA1-related disorders.

Allele frequency attached by ClinVar (database versions not stated): ExAC 0.00001; gnomAD 0.00003; TOPMed 0.00003; ESP Exome Variant Server 0.00008.
gnomAD v4.1: 23 of 1,613,664 alleles (0.0014%); highest among the groups gnomAD compares: Non-Finnish European, 0.0019%; no homozygotes.

Submissions (3):

PreventionGenetics, part of Exact Sciences
Classification: Likely benign for SPTA1-related condition. Last evaluated: 2025-11-24. Review status: criteria provided, single submitter. Criteria: ACMG Guidelines, 2015. Collection method: clinical testing. Allele origin: germline.
Comment: This variant is classified as likely benign based on ACMG/AMP sequence variant interpretation guidelines (Richards et al. 2015 PMID: 25741868, with internal and published modifications).

Revvity Omics, Revvity
Classification: Uncertain significance. Last evaluated: 2024-03-25. Review status: criteria provided, single submitter. Criteria: ACMG Guidelines, 2015. Collection method: clinical testing. Allele origin: germline.

ARUP Laboratories, Molecular Genetics and Genomics, ARUP Laboratories
Classification: Likely benign. Last evaluated: 2022-09-15. Review status: criteria provided, single submitter. Criteria: ARUP Molecular Germline Variant Investigation Process 2021. Collection method: clinical testing. Allele origin: germline.